The following is an entry in ClinVar:

ClinVar aggregate classification (germline): Uncertain significance (1 of 4 stars; one submission).

Allele frequency attached by ClinVar (database versions not stated): gnomAD exomes below 0.00001.
gnomAD v4.1: 1 of 1,566,002 alleles (0.000064%); highest among the groups gnomAD compares: Non-Finnish European, 0.000086%; no homozygotes.

Submission:

GeneDx
Classification: Uncertain significance. Last evaluated: 2022-09-23. Review status: criteria provided, single submitter. Criteria: GeneDx Variant Classification Process June 2021. Collection method: clinical testing. Allele origin: germline. Affected: yes.
Comment: Not observed at significant frequency in large population cohorts (gnomAD); In silico analysis supports that this missense variant does not alter protein structure/function; Has not been previously published as pathogenic or benign to our knowledge

NM_018026.4(PACS1):c.248G>T (p.Gly83Val)

Genes: PACS1 (phosphofurin acidic cluster sorting protein 1; plus strand), LOC130006099 (ATAC-STARR-seq lymphoblastoid silent region 3575; plus strand). Cytogenetic location: 11q13.1.
Variant type: single nucleotide variant.
Coding change: c.248G>T on transcript NM_018026.4 (MANE Select); coding-DNA position 248, G replaced by T.
Protein change: p.Gly83Val; replaces glycine 83 with valine.
Molecular consequence: missense variant.
Genome position (GRCh38, 1-based): chr11:66,070,734, G>T. VCF-style: chr11-66070734-G-T. GRCh37 (hg19) VCF-style: chr11-65838205-G-T.
Other names: short protein forms G83V.
Identifiers: ClinVar variation 2446286 (VCV002446286.1), dbSNP rs2495230737, ClinGen allele CA381507861.